The following is an entry in ClinVar:

NM_004415.4(DSP):c.5711C>T (p.Ala1904Val)

Gene: DSP (desmoplakin; plus strand). Cytogenetic location: 6p24.3.
Variant type: single nucleotide variant.
Coding change: c.5711C>T on transcript NM_004415.4 (MANE Select); coding-DNA position 5711, C replaced by T.
Protein change: p.Ala1904Val; replaces alanine 1904 with valine.
Molecular consequence: missense variant.
Genome position (GRCh38, 1-based): chr6:7,582,973, C>T. VCF-style: chr6-7582973-C-T. GRCh37 (hg19) VCF-style: chr6-7583206-C-T.
Other names: c.3914C>T, p.Ala1305Val (NM_001008844.3); c.4382C>T, p.Ala1461Val (NM_001319034.2); short protein forms A1305V, A1461V, A1904V.
Identifiers: ClinVar variation 920064 (VCV000920064.8), dbSNP rs1473162721, ClinGen allele CA362689246.

ClinVar aggregate classification (germline): Conflicting classifications of pathogenicity. Review status: criteria provided, conflicting classifications (1 of 4 stars). 3 submissions from 3 submitters: Uncertain significance (2); Likely benign (1). Last evaluated 2024-03-24.

Conditions:
Cardiomyopathy (CMYO). Also called: Cardiomyopathies. Identifiers: Orphanet 167848, MedGen C0878544, MONDO:0004994, HP:0001638. Inheritance: Various modes of inheritance.
Arrhythmogenic cardiomyopathy with wooly hair and keratoderma. Also called: PALMOPLANTAR KERATODERMA WITH LEFT VENTRICULAR CARDIOMYOPATHY AND WOOLLY HAIR; Carvajal syndrome; Dilated cardiomyopathy with woolly hair and keratoderma; Arrhythmogenic cardiomyopathy with woolly hair and keratoderma. Identifiers: Orphanet 65282, MedGen C1854063, MONDO:0011581, OMIM 605676.
Arrhythmogenic right ventricular dysplasia 8 (ARVD8). Also called: Arrhythmogenic Right Ventricular Dysplasia/Cardiomyopathy 8; ARRHYTHMOGENIC RIGHT VENTRICULAR DYSPLASIA, FAMILIAL, 8; ARRHYTHMOGENIC RIGHT VENTRICULAR CARDIOMYOPATHY 8. Identifiers: MedGen C1843896, MONDO:0011831, OMIM 607450.

Allele frequency attached by ClinVar (database versions not stated): gnomAD exomes below 0.00001; TOPMed 0.00001.
gnomAD v4.1: 4 of 1,613,910 alleles (0.00025%); highest among the groups gnomAD compares: Middle Eastern, 0.016%; no homozygotes.

Submissions (3):

All of Us Research Program, National Institutes of Health
Classification: Uncertain significance for Arrhythmogenic cardiomyopathy with wooly hair and keratoderma. Last evaluated: 2024-03-24. Review status: criteria provided, single submitter. Criteria: ACMG Guidelines, 2015. Collection method: clinical testing. Allele origin: germline. Inheritance: Autosomal dominant inheritance. Observed: 1 variant allele, 1 heterozygote.
Comment: This missense variant replaces alanine with valine at codon 1904 of the DSP protein. Computational prediction tools indicate that this variant has a neutral impact on protein structure and function. To our knowledge, functional studies have not been reported for this variant. This variant has not been reported in individuals affected with DSP-related disorders in the literature. This variant has been identified in 1/251194 chromosomes in the general population by the Genome Aggregation Database (gnomAD). The available evidence is insufficient to determine the role of this variant in disease conclusively. Therefore, this variant is classified as a Variant of Uncertain Significance.

This study involves interpretation of variants in research participants for the purpose of population health screening. Participant phenotype was not available at the time of variant classification. Additional details can be found in publication PMID: 35346344, PMCID: PMC8962531

Color Diagnostics, LLC DBA Color Health
Classification: Uncertain significance for Cardiomyopathy. Last evaluated: 2024-02-12. Review status: criteria provided, single submitter. Criteria: ACMG Guidelines, 2015. Collection method: clinical testing. Allele origin: germline.
Comment: This missense variant replaces alanine with valine at codon 1904 of the DSP protein. Computational prediction tools indicate that this variant has a neutral impact on protein structure and function. To our knowledge, functional studies have not been reported for this variant. This variant has not been reported in individuals affected with DSP-related disorders in the literature. This variant has been identified in 1/251194 chromosomes in the general population by the Genome Aggregation Database (gnomAD). The available evidence is insufficient to determine the role of this variant in disease conclusively. Therefore, this variant is classified as a Variant of Uncertain Significance.

Labcorp Genetics (formerly Invitae), Labcorp
Classification: Likely benign for Arrhythmogenic cardiomyopathy with wooly hair and keratoderma; Arrhythmogenic right ventricular dysplasia 8. Last evaluated: 2023-12-06. Review status: criteria provided, single submitter. Criteria: Invitae Variant Classification Sherloc (09022015). Collection method: clinical testing. Allele origin: germline.